The following is an entry in ClinVar:

ClinVar aggregate classification (germline): Uncertain significance (0 of 4 stars; one submission).

Conditions:
MAGEL2-related disorder. Also called: MAGEL2-related condition.

gnomAD v4.1: 38 of 1,536,826 alleles (0.0025%); highest among the groups gnomAD compares: Non-Finnish European, 0.0031%; no homozygotes.

Submission:

PreventionGenetics, part of Exact Sciences
Classification: Uncertain significance for MAGEL2-related condition. Last evaluated: 2024-07-18. Review status: no assertion criteria provided. Collection method: clinical testing. Allele origin: germline.
Comment: The MAGEL2 c.731C>T variant is predicted to result in the amino acid substitution p.Thr244Ile. To our knowledge, this variant has not been reported in the literature. This variant is reported in 0.0027% of alleles in individuals of European (Non-Finnish) descent in gnomAD. This variant falls within a highly paralogous region. Allele frequency data should be interpreted with caution. At this time, the clinical significance of this variant is uncertain due to the absence of conclusive functional and genetic evidence.

NM_019066.5(MAGEL2):c.731C>T (p.Thr244Ile)

Gene: MAGEL2 (MAGE family member L2; minus strand). Cytogenetic location: 15q11.2.
Variant type: single nucleotide variant.
Coding change: c.731C>T on transcript NM_019066.5 (MANE Select); coding-DNA position 731, C replaced by T.
Protein change: p.Thr244Ile; replaces threonine 244 with isoleucine.
Molecular consequence: missense variant.
Genome position (GRCh38, 1-based): chr15:23,647,012, G>A on the plus strand (C>T on the coding strand, the complement: MAGEL2 is on the minus strand). VCF-style: chr15-23647012-G-A. GRCh37 (hg19) VCF-style: chr15-23892159-G-A.
Other names: short protein forms T244I.
Identifiers: ClinVar variation 3354656 (VCV003354656.1).